The following is an entry in ClinVar:

NM_000059.4(BRCA2):c.10185del (p.Ser3396fs)

Gene: BRCA2 (BRCA2 DNA repair associated; plus strand). Cytogenetic location: 13q13.1.
Variant type: Deletion.
Coding change: c.10185del on transcript NM_000059.4 (MANE Select); coding-DNA position 10185, one base deleted (G; older notation c.10185delG).
Protein change: p.Ser3396fs; shifts the reading frame from serine 3396.
Molecular consequence: frameshift variant. On other transcripts: non-coding transcript variant (1).
Genome position (GRCh38, 1-based): chr13:32,398,698, G deleted. VCF-style (leftmost placement, unchanged base first): chr13-32398697-AG-A. GRCh37 (hg19) VCF-style: chr13-32972834-AG-A.
Other names: c.10089del, p.Ser3364fs (NM_001406719.1); c.10134del, p.Ser3379fs (NM_001406720.1); c.5253del, p.Ser1752fs (NM_001406721.1); c.3768del, p.Ser1257fs (NM_001406722.1); short protein forms S1257fs, S1752fs, S3364fs, S3379fs, S3396fs.
Identifiers: ClinVar variation 3072084 (VCV003072084.1), dbSNP rs2548565785, ClinGen allele CA2825002176.
Genomic context (GRCh38, chr13:32,398,697, plus strand): 5'-GTTCAGAAGATTATCTCAGACTGAAACGACGTTGTACTACATCTCTGATCAAAGAACAGG[AG>A]AGTTCCCAGGCCAGTACGGAAGAATGTGAGAAAAATAAGCAGGACACAATTACAACTAAA-3'

ClinVar aggregate classification (germline): Uncertain significance (1 of 4 stars; one submission).

Conditions:
Breast-ovarian cancer, familial, susceptibility to, 2 (BROVCA2). Also called: BRCA2 Hereditary Breast and Ovarian Cancer. Identifiers: Orphanet 145, MedGen C2675520, MONDO:0012933, OMIM 612555. Disease mechanism: loss of function.

Submission:

All of Us Research Program, National Institutes of Health
Classification: Uncertain significance for Breast-ovarian cancer, familial, susceptibility to, 2. Last evaluated: 2023-06-28. Review status: criteria provided, single submitter. Criteria: ACMG Guidelines, 2015. Collection method: clinical testing. Allele origin: germline. Inheritance: Autosomal dominant inheritance. Observed: 1 variant allele, 1 heterozygote.
Comment: This study involves interpretation of variants in research participants for the purpose of population health screening. Participant phenotype was not available at the time of variant classification. Additional details can be found in publication PMID: 35346344, PMCID: PMC8962531